The following is an entry in ClinVar:

ClinVar aggregate classification (germline): Uncertain significance. Review status: criteria provided, multiple submitters, no conflicts (2 of 4 stars). 2 submissions from 2 submitters: Uncertain significance (2). Last evaluated 2026-04-08.

Conditions:
WDFY3-related disorder.
Inborn genetic diseases. Identifiers: MedGen C0950123, MeSH D030342.

gnomAD v4.1: 2 of 1,608,176 alleles (0.00012%); highest among the groups gnomAD compares: Admixed American, 0.0017%; no homozygotes.

Submissions (2):

PreventionGenetics, part of Exact Sciences
Classification: Uncertain significance for WDFY3-related condition. Last evaluated: 2026-04-08. Review status: criteria provided, single submitter. Criteria: ACMG Guidelines, 2015. Collection method: clinical testing. Allele origin: germline.
Comment: The WDFY3 c.7262T>G variant is predicted to result in the amino acid substitution p.Ile2421Ser. To our knowledge, this variant has not been reported in the literature. This variant is reported in 0.0030% of alleles in individuals of Latino descent in gnomAD. At this time, the clinical significance of this variant is uncertain due to the absence of conclusive functional and genetic evidence.

Ambry Genetics
Classification: Uncertain significance for Inborn genetic diseases. Last evaluated: 2025-11-26. Review status: criteria provided, single submitter. Criteria: Ambry Variant Classification Scheme 2023. Collection method: clinical testing. Allele origin: germline.

NM_014991.6(WDFY3):c.7262T>G (p.Ile2421Ser)

Gene: WDFY3 (WD repeat and FYVE domain containing 3; minus strand). Cytogenetic location: 4q21.23.
Variant type: single nucleotide variant.
Coding change: c.7262T>G on transcript NM_014991.6 (MANE Select); coding-DNA position 7262, T replaced by G.
Protein change: p.Ile2421Ser; replaces isoleucine 2421 with serine.
Molecular consequence: missense variant.
Genome position (GRCh38, 1-based): chr4:84,726,871, A>C on the plus strand (T>G on the coding strand, the complement: WDFY3 is on the minus strand). VCF-style: chr4-84726871-A-C. GRCh37 (hg19) VCF-style: chr4-85648024-A-C.
Other names: short protein forms I2421S.
Identifiers: ClinVar variation 4634619 (VCV004634619.2).
Genomic context (GRCh38, chr4:84,726,871, plus strand): 5'-AAACAAAACTACAAGTAGTTTACATTCTTTTACTGTAATTTGTGTTTTACCTTTTGAGGA[A>C]TATCATCGGGTGTCTCAGGCTGTTTACTTGGGATCTCAGACTGAAAACAGGGTATTAAGT-3'
Protein context (NP_055806.2, residues 2411-2431): PSKQPETPDD[Ile2421Ser]PQKKPARYRR